The following is an entry in ClinVar:

NM_002249.6(KCNN3):c.592C>G (p.Leu198Val)

Gene: KCNN3 (potassium calcium-activated channel subfamily N member 3; minus strand). Cytogenetic location: 1q21.3.
Variant type: single nucleotide variant.
Coding change: c.592C>G on transcript NM_002249.6 (MANE Select); coding-DNA position 592, C replaced by G.
Protein change: p.Leu198Val; replaces leucine 198 with valine.
Molecular consequence: missense variant.
Genome position (GRCh38, 1-based): chr1:154,869,373, G>C on the plus strand (C>G on the coding strand, the complement: KCNN3 is on the minus strand). VCF-style: chr1-154869373-G-C. GRCh37 (hg19) VCF-style: chr1-154841849-G-C.
Other names: c.592C>G, p.Leu198Val (NM_001204087.2); short protein forms L198V.
Identifiers: ClinVar variation 1723286 (VCV001723286.1), dbSNP rs2525028211, ClinGen allele CA342632875.
Genomic context (GRCh38, chr1:154,869,373, plus strand): 5'-CCGGGGGGTTGCTAGGGCTGAAAAGCTGGAGGGGTTGGCCCTCAGTCTCGGCCTCGATGA[G>C]GTTCCTCCGGGAGGCGCTGAGGCGGCTGAGGGGCTTCATGACCCCACCGCTATACTTGCA-3'
Protein context (NP_002240.3, residues 188-208): LSRLSASRRN[Leu198Val]IEAETEGQPL

ClinVar aggregate classification (germline): Uncertain significance (1 of 4 stars; one submission).

Submission:

Women's Health and Genetics/Laboratory Corporation of America, LabCorp
Classification: Uncertain significance. Last evaluated: 2022-10-11. Review status: criteria provided, single submitter. Criteria: LabCorp Variant Classification Summary - May 2015. Collection method: clinical testing. Allele origin: germline.
Comment: Variant summary: KCNN3 c.592C>G (p.Leu198Val) results in a conservative amino acid change in the encoded protein sequence. Two of four in-silico tools predict a benign effect of the variant on protein function. The variant was absent in 251348 control chromosomes (gnomAD). The available data on variant occurrences in the general population are insufficient to allow any conclusion about variant significance. To our knowledge, no occurrence of c.592C>G in individuals affected with Zimmermann-Laband Syndrome 3 and no experimental evidence demonstrating its impact on protein function have been reported. No clinical diagnostic laboratories have submitted clinical-significance assessments for this variant to ClinVar after 2014. Based on the evidence outlined above, the variant was classified as uncertain significance.